The following is an entry in ClinVar:

NM_000059.4(BRCA2):c.7761del (p.Ile2588fs)

Gene: BRCA2 (BRCA2 DNA repair associated; plus strand). Cytogenetic location: 13q13.1.
Variant type: Deletion.
Coding change: c.7761del on transcript NM_000059.4 (MANE Select); coding-DNA position 7761, one base deleted (C; older notation c.7761delC).
Protein change: p.Ile2588fs; shifts the reading frame from isoleucine 2588.
Molecular consequence: frameshift variant.
Genome position (GRCh38, 1-based): chr13:32,357,885, C deleted. VCF-style (leftmost placement, unchanged base first): chr13-32357884-TC-T. GRCh37 (hg19) VCF-style: chr13-32932021-TC-T.
Other names: 7989delC; c.7761delC (NM_000059.3); short protein forms I2588fs.
Identifiers: ClinVar variation 52404 (VCV000052404.4), dbSNP rs80359678, ClinGen allele CA025264.

ClinVar aggregate classification (germline): Pathogenic. Review status: reviewed by expert panel (3 of 4 stars). 2 submissions from 2 submitters: Pathogenic (1). 1 of the submissions does not count toward it. Last evaluated 2016-09-08.

Conditions:
Breast-ovarian cancer, familial, susceptibility to, 2 (BROVCA2). Also called: BRCA2 Hereditary Breast and Ovarian Cancer. Identifiers: Orphanet 145, MedGen C2675520, MONDO:0012933, OMIM 612555. Disease mechanism: loss of function.

Submissions (2):

Evidence-based Network for the Interpretation of Germline Mutant Alleles (ENIGMA)
Classification: Pathogenic for Breast-ovarian cancer, familial, susceptibility to, 2. Last evaluated: 2016-09-08. Review status: reviewed by expert panel. Criteria: ENIGMA BRCA1/2 Classification Criteria (2015). Collection method: curation. Allele origin: germline.
Comment: Variant allele predicted to encode a truncated non-functional protein.

Breast Cancer Information Core (BIC) (BRCA2)
Classification: Pathogenic for Breast-ovarian cancer, familial 2. Review status: no assertion criteria provided. Collection method: clinical testing. Allele origin: unknown. Affected: yes. Observed: 1 variant allele. Not counted in ClinVar's aggregate classification.